The following is an entry in ClinVar:

ClinVar aggregate classification (germline): Uncertain significance (1 of 4 stars; one submission).

Submission:

GeneDx
Classification: Uncertain significance. Last evaluated: 2023-10-03. Review status: criteria provided, single submitter. Criteria: GeneDx Variant Classification Process June 2021. Collection method: clinical testing. Allele origin: germline. Affected: yes.
Comment: Not observed at significant frequency in large population cohorts (gnomAD); In silico analysis supports that this missense variant has a deleterious effect on protein structure/function; Has not been previously published as pathogenic or benign to our knowledge

NM_018896.5(CACNA1G):c.4780T>C (p.Tyr1594His)

Gene: CACNA1G (calcium voltage-gated channel subunit alpha1 G; plus strand). Cytogenetic location: 17q21.33.
Variant type: single nucleotide variant.
Coding change: c.4780T>C on transcript NM_018896.5 (MANE Select); coding-DNA position 4780, T replaced by C.
Protein change: p.Tyr1594His; replaces tyrosine 1594 with histidine.
Molecular consequence: missense variant. On other transcripts: non-coding transcript variant (5).
Genome position (GRCh38, 1-based): chr17:50,615,381, T>C. VCF-style: chr17-50615381-T-C. GRCh37 (hg19) VCF-style: chr17-48692742-T-C.
Other names: c.4726T>C, p.Tyr1576His (NM_001256324.2, NM_001256328.2, NM_198386.3); c.4801T>C, p.Tyr1601His (NM_001256325.2); c.4645T>C, p.Tyr1549His (NM_001256326.2, NM_001256330.2); c.4780T>C, p.Tyr1594His (NM_001256327.2, NM_001256333.2, NM_198384.3 and 1 more transcripts); c.4678T>C, p.Tyr1560His (NM_001256329.2, NM_198376.3, NM_198379.3 and 2 more transcripts); c.4624T>C, p.Tyr1542His (NM_001256331.2); c.4609T>C, p.Tyr1537His (NM_001256332.2); c.4747T>C, p.Tyr1583His (NM_001256334.2, NM_198377.3, NM_198378.3 and 1 more transcripts); and 5 more; short protein forms Y1537H, Y1542H, Y1549H, Y1553H, Y1556H, Y1558H, Y1560H, Y1567H.
Identifiers: ClinVar variation 3252607 (VCV003252607.1), dbSNP rs2545696155.